The following is an entry in ClinVar:

ClinVar aggregate classification (germline): Uncertain significance. Review status: criteria provided, multiple submitters, no conflicts (2 of 4 stars). 2 submissions from 2 submitters: Uncertain significance (2). Last evaluated 2024-04-01.

Conditions:
Mosaic variegated aneuploidy syndrome 1 (MVA1). Also called: Warburton-Anyane-Yeboa syndrome. Identifiers: Orphanet 1052, MedGen C1850343, MONDO:0009759, OMIM 257300.
Inborn genetic diseases. Identifiers: MedGen C0950123, MeSH D030342.

Allele frequency attached by ClinVar (database versions not stated): gnomAD exomes below 0.00001; ExAC 0.00001.
gnomAD v4.1: 2 of 1,614,038 alleles (0.00012%); highest among the groups gnomAD compares: Admixed American, 0.0017%; no homozygotes.

Submissions (2):

Labcorp Genetics (formerly Invitae), Labcorp
Classification: Uncertain significance for Mosaic variegated aneuploidy syndrome 1. Last evaluated: 2024-04-01. Review status: criteria provided, single submitter. Criteria: Invitae Variant Classification Sherloc (09022015). Collection method: clinical testing. Allele origin: germline.
Comment: This sequence change replaces proline, which is neutral and non-polar, with serine, which is neutral and polar, at codon 135 of the BUB1B protein (p.Pro135Ser). This variant is present in population databases (rs773640183, gnomAD 0.003%). This variant has not been reported in the literature in individuals affected with BUB1B-related conditions. An algorithm developed to predict the effect of missense changes on protein structure and function (PolyPhen-2) suggests that this variant is likely to be disruptive. In summary, the available evidence is currently insufficient to determine the role of this variant in disease. Therefore, it has been classified as a Variant of Uncertain Significance.

Ambry Genetics
Classification: Uncertain significance for Inborn genetic diseases. Last evaluated: 2024-03-12. Review status: criteria provided, single submitter. Criteria: Ambry Variant Classification Scheme 2023. Collection method: clinical testing. Allele origin: germline.
Comment: The p.P135S variant (also known as c.403C>T), located in coding exon 5 of the BUB1B gene, results from a C to T substitution at nucleotide position 403. The proline at codon 135 is replaced by serine, an amino acid with similar properties. This amino acid position is conserved. In addition, this alteration is predicted to be deleterious by in silico analysis. Based on the available evidence, the clinical significance of this alteration remains unclear.

NM_001211.6(BUB1B):c.403C>T (p.Pro135Ser)

Gene: BUB1B (BUB1 mitotic checkpoint serine/threonine kinase B; plus strand). Cytogenetic location: 15q15.1.
Variant type: single nucleotide variant.
Coding change: c.403C>T on transcript NM_001211.6 (MANE Select); coding-DNA position 403, C replaced by T.
Protein change: p.Pro135Ser; replaces proline 135 with serine.
Molecular consequence: missense variant.
Genome position (GRCh38, 1-based): chr15:40,176,495, C>T. VCF-style: chr15-40176495-C-T. GRCh37 (hg19) VCF-style: chr15-40468696-C-T.
Other names: short protein forms P135S.
Identifiers: ClinVar variation 3221427 (VCV003221427.3), dbSNP rs773640183, ClinGen allele CA7475481.